The following is an entry in ClinVar:

ClinVar aggregate classification (germline): Likely benign (1 of 4 stars; one submission).

Submission:

CeGaT Center for Human Genetics Tuebingen
Classification: Likely benign. Last evaluated: 2024-11-01. Review status: criteria provided, single submitter. Criteria: CeGaT Center For Human Genetics Tuebingen Variant Classification Criteria Version 2. Collection method: clinical testing. Allele origin: germline. Affected: yes. Observed: 1 variant allele.
Comment: IRAK1BP1: PM2:Supporting, BP4, BP7

NM_001010844.4(IRAK1BP1):c.723T>C (p.Ala241=)

Gene: IRAK1BP1 (interleukin 1 receptor associated kinase 1 binding protein 1; plus strand). Cytogenetic location: 6q14.1.
Variant type: single nucleotide variant.
Coding change: c.723T>C on transcript NM_001010844.4 (MANE Select); coding-DNA position 723, T replaced by C.
Protein change: p.Ala241=; no amino-acid change (alanine 241 retained).
Molecular consequence: synonymous variant.
Genome position (GRCh38, 1-based): chr6:78,898,274, T>C. VCF-style: chr6-78898274-T-C. GRCh37 (hg19) VCF-style: chr6-79607991-T-C.
Identifiers: ClinVar variation 3389113 (VCV003389113.14).